The following is an entry in ClinVar:

ClinVar aggregate classification (germline): Conflicting classifications of pathogenicity. Review status: criteria provided, conflicting classifications (1 of 4 stars). 2 submissions from 2 submitters: Uncertain significance (1); Benign (1). Last evaluated 2024-04-20.

Conditions:
Hereditary cancer-predisposing syndrome. Also called: Neoplastic Syndromes, Hereditary; Tumor predisposition; Hereditary neoplastic syndrome; Hereditary Cancer Syndrome. Identifiers: Orphanet 140162, MedGen C0027672, MeSH D009386, MONDO:0015356.
Gorlin syndrome. Also called: Basal cell nevus syndrome; Nevoid Basal Cell Carcinoma Syndrome. Identifiers: Orphanet 377, MedGen C0004779, MONDO:0007187.

Submissions (2):

Labcorp Genetics (formerly Invitae), Labcorp
Classification: Benign for Gorlin syndrome. Last evaluated: 2024-04-20. Review status: criteria provided, single submitter. Criteria: Invitae Variant Classification Sherloc (09022015). Collection method: clinical testing. Allele origin: germline.

Ambry Genetics
Classification: Uncertain significance for Hereditary cancer-predisposing syndrome. Last evaluated: 2022-10-24. Review status: criteria provided, single submitter. Criteria: Ambry Variant Classification Scheme 2023. Collection method: clinical testing. Allele origin: germline.
Comment: The p.R945G variant (also known as c.2833C>G), located in coding exon 17 of the PTCH1 gene, results from a C to G substitution at nucleotide position 2833. The arginine at codon 945 is replaced by glycine, an amino acid with dissimilar properties. This amino acid position is conserved. In addition, this alteration is predicted to be tolerated by in silico analysis. Since supporting evidence is limited at this time, the clinical significance of this alteration remains unclear.

NM_000264.5(PTCH1):c.2833C>G (p.Arg945Gly)

Gene: PTCH1 (patched 1; minus strand). Cytogenetic location: 9q22.32.
Variant type: single nucleotide variant.
Coding change: c.2833C>G on transcript NM_000264.5 (MANE Select); coding-DNA position 2833, C replaced by G.
Protein change: p.Arg945Gly; replaces arginine 945 with glycine.
Molecular consequence: missense variant. On other transcripts: non-coding transcript variant (1).
Genome position (GRCh38, 1-based): chr9:95,459,654, G>C on the plus strand (C>G on the coding strand, the complement: PTCH1 is on the minus strand). VCF-style: chr9-95459654-G-C. GRCh37 (hg19) VCF-style: chr9-98221936-G-C.
Other names: c.2380C>G, p.Arg794Gly (NM_001083605.3, NM_001083606.3, NM_001083607.3 and 1 more transcripts); c.2677C>G, p.Arg893Gly (NM_001354918.2); c.2635C>G, p.Arg879Gly (NM_001083602.3); c.2830C>G, p.Arg944Gly (NM_001083603.3); short protein forms R794G, R879G, R944G, R945G, R893G.
Identifiers: ClinVar variation 1796613 (VCV001796613.4), dbSNP rs1064794260, ClinGen allele CA374112985.
Genomic context (GRCh38, chr9:95,459,654, plus strand): 5'-ACTTACTTCTCAGCCTTGTTTCAGGCATGTAGTCGGCTTTGTCGTGGACCCATTCTGGTC[G>C]GTGTGGCCGGATGTTGGCCTGGGAGGCAGCATACGCGACGGGGTCGTTGCTGACCCAAGC-3'
Protein context (NP_000255.2, residues 935-955): AASQANIRPH[Arg945Gly]PEWVHDKADY